The following is an entry in ClinVar:

NM_024611.6(ICE2):c.783+1G>C

Gene: ICE2 (interactor of little elongation complex ELL subunit 2; minus strand). Cytogenetic location: 15q22.2.
Variant type: single nucleotide variant.
Coding change: c.783+1G>C on transcript NM_024611.6 (MANE Select); the canonical splice donor site of the intron after coding-DNA position 783, G replaced by C.
Molecular consequence: splice donor variant.
Genome position (GRCh38, 1-based): chr15:60,455,325, C>G on the plus strand (G>C on the coding strand, the complement: ICE2 is on the minus strand). VCF-style: chr15-60455325-C-G. GRCh37 (hg19) VCF-style: chr15-60747524-C-G.
Other names: c.372+1G>C (NM_001018089.3); c.783+1G>C (NM_001276385.2).
Identifiers: ClinVar variation 2635846 (VCV002635846.1), dbSNP rs745899002, ClinGen allele CA7593164.
Genomic context (GRCh38, chr15:60,455,325, plus strand): 5'-GATATATTTTGTGAGATATAAAAGATTATTTAGGAAGATCCAATGTTGCCTTGGTACTTA[C>G]ATAATGCATAGCTTCAGCTGTTTGTTCTGACGTTTCAATGGTAGCTATATCGTCCTTTGA-3'

ClinVar aggregate classification (germline): Uncertain significance (1 of 4 stars; one submission).

Conditions:
ICE2-related disorder. Also called: ICE2-related condition.

Allele frequency attached by ClinVar (database versions not stated): ExAC 0.00001.

Submission:

PreventionGenetics, part of Exact Sciences
Classification: Uncertain significance for ICE2-related condition. Last evaluated: 2023-10-10. Review status: criteria provided, single submitter. Criteria: ACMG Guidelines, 2015. Collection method: clinical testing. Allele origin: germline.
Comment: The ICE2 c.372+1G>C variant is predicted to disrupt the GT donor site and interfere with normal splicing. To our knowledge, this variant has not been reported in the literature. This variant is reported in 0.00088% of alleles in individuals of European (Non-Finnish) descent in gnomAD. At this time, the clinical significance of this variant is uncertain due to the absence of conclusive functional and genetic evidence.